The following is an entry in ClinVar:

NM_007294.4(BRCA1):c.302-1G>A

Gene: BRCA1 (BRCA1 DNA repair associated; minus strand). Cytogenetic location: 17q21.31.
Variant type: single nucleotide variant.
Coding change: c.302-1G>A on transcript NM_007294.4 (MANE Select); the canonical splice acceptor site of the intron before coding-DNA position 302, G replaced by A.
Molecular consequence: splice acceptor variant. On other transcripts: intron variant (2).
Genome position (GRCh38, 1-based): chr17:43,104,262, C>T on the plus strand (G>A on the coding strand, the complement: BRCA1 is on the minus strand). VCF-style: chr17-43104262-C-T. GRCh37 (hg19) VCF-style: chr17-41256279-C-T.
Other names: IVS6-1G>A; c.161-1G>A (NM_001408458.1, NM_001407931.1, NM_001407747.1 and 99 more transcripts); c.-218-9402G>A (NM_001407967.1, NM_001407966.1); c.-80-1G>A (NM_001407959.1, NM_001407962.1, NM_001408512.1 and 4 more transcripts); c.92-1G>A (NM_001407885.1, NM_001407886.1, NM_001407898.1 and 58 more transcripts); c.302-1G>A (NM_001407686.1, NM_001408397.1, NM_001407632.1 and 164 more transcripts); c.170-1G>A (NM_001408451.1); c.224-1G>A (NM_001408475.1, NM_001407875.1, NM_001407659.1 and 21 more transcripts); and 1 more.
Identifiers: ClinVar variation 54750 (VCV000054750.31), dbSNP rs80358116, ClinGen allele CA001974.

ClinVar aggregate classification (germline): Pathogenic/Likely pathogenic. Review status: criteria provided, multiple submitters, no conflicts (2 of 4 stars). 12 submissions from 12 submitters: Pathogenic (6); Likely pathogenic (1). 5 of the submissions do not count toward it. Last evaluated 2024-03-20.

Conditions:
Hereditary cancer-predisposing syndrome. Also called: Tumor predisposition; Neoplastic Syndromes, Hereditary; Hereditary Cancer Syndrome; Hereditary neoplastic syndrome. Identifiers: Orphanet 140162, MedGen C0027672, MeSH D009386, MONDO:0015356.
Hereditary breast ovarian cancer syndrome. Also called: Hereditary breast and ovarian cancer syndrome (HBOC); Hereditary breast and ovarian cancer syndrome; Hereditary breast and ovarian cancer; Hereditary breast and/or ovarian cancer syndrome; Breast and ovarian cancer; BRCA1- and BRCA2-Associated Hereditary Breast and Ovarian Cancer. Identifiers: Orphanet 145, MedGen C0677776, MeSH D061325, MONDO:0003582. Disease mechanism: loss of function.
Breast-ovarian cancer, familial, susceptibility to, 1 (BROVCA1). Also called: OVARIAN CANCER, SUSCEPTIBILITY TO; BRCA1 Hereditary Breast and Ovarian Cancer. Identifiers: Orphanet 145, MedGen C2676676, MONDO:0011450, OMIM 604370. Disease mechanism: loss of function.
Malignant tumor of breast. Also called: Malignant breast neoplasm; Cancer breast. Identifiers: MedGen C0006142, MONDO:0007254. Disease mechanism: loss of function.

Allele frequency attached by ClinVar (database versions not stated): gnomAD exomes below 0.00001.
gnomAD v4.1: 1 of 1,608,708 alleles (0.000062%); highest among the groups gnomAD compares: African/African-American, 0.0013%; no homozygotes.

Submissions (12):

Ambry Genetics
Classification: Likely pathogenic for Hereditary cancer-predisposing syndrome. Last evaluated: 2024-03-20. Review status: criteria provided, single submitter. Criteria: Ambry Variant Classification Scheme 2023. Collection method: clinical testing. Allele origin: germline.
Comment: The c.302-1G>A intronic variant results from a G to A substitution one nucleotide upstream from coding exon 5 of the BRCA1 gene. This alteration, also referred to as IVS6-1G>A in the published literature, has been reported in multiple hereditary breast and/or ovarian cancer (HBOC) families (Osorio A et al. Eur J Hum Genet, 2003 Jun;11:489-92; Rebbeck TR et al. Hum Mutat, 2018 05;39:593-620; Palmero EI et al. Sci Rep, 2018 06;8:9188). This variant is considered to be rare based on population cohorts in the Genome Aggregation Database (gnomAD). This nucleotide position is highly conserved in available vertebrate species. In silico splice site analysis predicts that this alteration will weaken the native splice acceptor site and will result in the creation or strengthening of a novel splice acceptor site. In addition to the clinical data presented in the literature, RNA assays have demonstrated that this alteration results in aberrant splicing of a 10 nucleotide deletion from the beginning of coding exon 5 (exon 7 in the literature), which results in an mRNA transcript that is subject to nonsense-mediated decay (Ambry internal data; Guti&eacute;rrez-Enr&iacute;quez S et al. Breast Cancer Res Treat 2009 Sep;117(2):461-5; Montalban G et al. Hum Mutat 2019 12;40(12):2296-2317). Based on the majority of available evidence to date, this variant is likely to be pathogenic.

Labcorp Genetics (formerly Invitae), Labcorp
Classification: Pathogenic for Hereditary breast ovarian cancer syndrome. Last evaluated: 2024-03-14. Review status: criteria provided, single submitter. Criteria: Invitae Variant Classification Sherloc (09022015). Collection method: clinical testing. Allele origin: germline.
Comment: This sequence change affects an acceptor splice site in intron 5 of the BRCA1 gene. RNA analysis indicates that disruption of this splice site induces altered splicing and may result in an absent or disrupted protein product. This variant is not present in population databases (gnomAD no frequency). Disruption of this splice site has been observed in individual(s) with breast cancer (PMID: 18712473). This variant is also known as IVS6-1G>A. ClinVar contains an entry for this variant (Variation ID: 54750). Studies have shown that disruption of this splice site alters BRCA1 gene expression (PMID: 31343793). Studies have shown that disruption of this splice site results in activation of a cryptic splice site and introduces a premature termination codon (PMID: 18712473, 31343793). The resulting mRNA is expected to undergo nonsense-mediated decay. For these reasons, this variant has been classified as Pathogenic.

All of Us Research Program, National Institutes of Health
Classification: Pathogenic for Breast-ovarian cancer, familial, susceptibility to, 1. Last evaluated: 2023-11-08. Review status: criteria provided, single submitter. Criteria: ACMG Guidelines, 2015. Collection method: clinical testing. Allele origin: germline. Inheritance: Autosomal dominant inheritance. Observed: 2 variant alleles, 2 heterozygotes.
Comment: The c.302-1G>A variant of the BRCA1 gene is predicted to affect mRNA splicing resulting in an absent or disrupted protein product. RT-PCR studies showed that the change resulted in a 10-base frameshift deletion from the beginning of coding exon 5 (exon 7 in the literature, PMID: 18712473). This variant has been reported in unrelated individuals with breast cancer (PMID: 18712473, 29907814, 33558524). This variant has not been identified in the general population (gnomAD). Loss-of-function variants in BRCA1 are known to be pathogenic (PMID: 21989022, 17661172, 22762150). Therefore, the c.302-1G>A variant of BRCA1 is classified as pathogenic.

This study involves interpretation of variants in research participants for the purpose of population health screening. Participant phenotype was not available at the time of variant classification. Additional details can be found in publication PMID: 35346344, PMCID: PMC8962531

Color Diagnostics, LLC DBA Color Health
Classification: Pathogenic for Hereditary cancer-predisposing syndrome. Last evaluated: 2023-02-20. Review status: criteria provided, single submitter. Criteria: ACMG Guidelines, 2015. Collection method: clinical testing. Allele origin: germline.
Comment: This variant causes a G to A nucleotide substitution at the -1 position of intron 5 splice acceptor site of the BRCA1 gene. This variant is also known as IVS6-1G>A by the BIC nomenclature. Two RNA studies have shown that this variant weakens the native splice acceptor and activates a cryptic acceptor 10-base downstream, resulting in r.302_311del (p.Tyr101Serfs*15) and a premature protein truncation (PMID: 18712473, 31343793). Quantitative PCR and allelic imbalance analyses on carrier RNA showed that the variant pre-mRNA does not produce a full-length mRNA transcript (PMID: 30472649, 31343793). This variant has been reported in an individual affected with bilateral breast cancer with breast cancer in a first-degree relative (PMID: 18712473), an individual with early onset breast cancer (PMID: 33558524), and in at least five additional individuals affected with hereditary breast and ovarian cancer (PMID: 30472649, 31343793; Ramon et al., 2020, DOI: 10.1200/JCO.2020.38.15_suppl.e13645). This variant has not been identified in the general population by the Genome Aggregation Database (gnomAD). Loss of BRCA1 function is a known mechanism of disease. Based on the available evidence, this variant is classified as Pathogenic.

Baylor Genetics
Classification: Pathogenic for Breast-ovarian cancer, familial, susceptibility to, 1. Last evaluated: 2022-09-26. Review status: criteria provided, single submitter. Criteria: ACMG Guidelines, 2015. Collection method: clinical testing. Allele origin: unknown.

Genomic Research Center, Shahid Beheshti University of Medical Sciences
Classification: Pathogenic for Breast-ovarian cancer, familial 1. Last evaluated: 2020-05-03. Review status: criteria provided, single submitter. Criteria: ACMG Guidelines, 2015. Collection method: clinical testing. Allele origin: unknown. Affected: yes.

Consortium of Investigators of Modifiers of BRCA1/2 (CIMBA), c/o University of Cambridge
Classification: Pathogenic for Breast-ovarian cancer, familial, susceptibility to, 1. Last evaluated: 2015-10-02. Review status: criteria provided, single submitter. Criteria: CIMBA Mutation Classification guidelines May 2016. Collection method: clinical testing. Allele origin: germline.

Center of Medical Genetics and Primary Health Care
Classification: Pathogenic for Breast cancer. Last evaluated: 2020-04-08. Review status: no assertion criteria provided. Collection method: research. Allele origin: germline. Affected: yes. Observed: 1 heterozygote. Not counted in ClinVar's aggregate classification.
Comment: ACMG Guidelines 2015 criteria The BRCA1 intronic/splice site variant c.302-1G>A is just before exon 7 sequence coding for Y101-147L aa. The closest functional domain is BRCA1, serine-rich domain (A344-507R). This splice site variant could result in a truncated or altered protein, potentially interfering with its function in DNA repair as an established disease mechanism in hereditary breast and ovarian cancer (PVS1 Pathogenic Very Strong). The variant is not found in GnomAD exomes neither in GnomAD genomes (PM2 Pathogenic Moderate). Several variants have been reported in this splice site either at position c.302-1 or c.302-2 (source, ClinVar). 4 pathogenic predictions from DANN, EIGEN, FATHMM-MKL and MutationTaster versus no benign predictions support its deleterious effect (PP3 Pathogenic Supporting). This variant was previously reported in ClinVar in patients diagnosed with Hereditary breast and ovarian cancer syndrome. Based on the available data, we classified this variant as a Pathogenic.

Hereditary Cancer Genetics group, Vall d'Hebron Institute of Oncology
Classification: Pathogenic for Hereditary breast and ovarian cancer syndrome. Last evaluated: 2019-03-01. Review status: no assertion criteria provided. Collection method: research. Allele origin: germline. Affected: yes. Not counted in ClinVar's aggregate classification.

Breast Cancer Information Core (BIC) (BRCA1)
Classification: Pathogenic for Breast-ovarian cancer, familial 1. Last evaluated: 2004-02-20. Review status: no assertion criteria provided. Collection method: clinical testing. Allele origin: germline. Affected: yes. Observed: 1 variant allele. Not counted in ClinVar's aggregate classification.

Clinical Genetics Laboratory, Department of Pathology, Netherlands Cancer Institute
Classification: Pathogenic. Review status: no assertion criteria provided. Collection method: clinical testing. Allele origin: germline. Affected: yes. Study: VKGL Data-share Consensus. Not counted in ClinVar's aggregate classification.

Diagnostic Laboratory, Department of Genetics, University Medical Center Groningen
Classification: Pathogenic. Review status: no assertion criteria provided. Collection method: clinical testing. Allele origin: germline. Affected: yes. Study: VKGL Data-share Consensus. Not counted in ClinVar's aggregate classification.

Literature cited by the submitters: PubMed 12774043 (cited by Ambry Genetics); PubMed 29446198 (cited by Ambry Genetics); PubMed 29907814 (cited by Ambry Genetics and All of Us Research Program, National Institutes of Health); PubMed 18712473 (cited by 3 submitters); PubMed 31343793 (cited by Labcorp Genetics (formerly Invitae), Labcorp and Color Diagnostics, LLC DBA Color Health); PubMed 17661172 (cited by All of Us Research Program, National Institutes of Health); PubMed 21989022 (cited by All of Us Research Program, National Institutes of Health); PubMed 22762150 (cited by All of Us Research Program, National Institutes of Health); PubMed 33558524 (cited by All of Us Research Program, National Institutes of Health and Color Diagnostics, LLC DBA Color Health); PubMed 30472649 (cited by Color Diagnostics, LLC DBA Color Health and Hereditary Cancer Genetics group, Vall d'Hebron Institute of Oncology).